The following is an entry in ClinVar:

NM_006231.4(POLE):c.353C>G (p.Ser118Cys)

Gene: POLE (DNA polymerase epsilon, catalytic subunit; minus strand). Cytogenetic location: 12q24.33.
Variant type: single nucleotide variant.
Coding change: c.353C>G on transcript NM_006231.4 (MANE Select); coding-DNA position 353, C replaced by G.
Protein change: p.Ser118Cys; replaces serine 118 with cysteine.
Molecular consequence: missense variant.
Genome position (GRCh38, 1-based): chr12:132,680,024, G>C on the plus strand (C>G on the coding strand, the complement: POLE is on the minus strand). VCF-style: chr12-132680024-G-C. GRCh37 (hg19) VCF-style: chr12-133256610-G-C.
Other names: short protein forms S118C.
Identifiers: ClinVar variation 3422143 (VCV003422143.1).

ClinVar aggregate classification (germline): Uncertain significance (1 of 4 stars; one submission).

Conditions:
Hereditary cancer-predisposing syndrome. Also called: Neoplastic Syndromes, Hereditary; Tumor predisposition; Hereditary Cancer Syndrome; Hereditary neoplastic syndrome. Identifiers: Orphanet 140162, MedGen C0027672, MeSH D009386, MONDO:0015356.

Submission:

Ambry Genetics
Classification: Uncertain significance for Hereditary cancer-predisposing syndrome. Last evaluated: 2024-08-24. Review status: criteria provided, single submitter. Criteria: Ambry Variant Classification Scheme 2023. Collection method: clinical testing. Allele origin: germline.
Comment: The p.S118C variant (also known as c.353C>G), located in coding exon 5 of the POLE gene, results from a C to G substitution at nucleotide position 353. The serine at codon 118 is replaced by cysteine, an amino acid with dissimilar properties. This amino acid position is conserved. In addition, the in silico prediction for this alteration is inconclusive. Based on the available evidence, the clinical significance of this variant remains unclear.